The following is an entry in ClinVar:

ClinVar aggregate classification (germline): Benign. Review status: criteria provided, single submitter (1 of 4 stars). 2 submissions from 2 submitters: Benign (1). 1 of the submissions does not count toward it. Last evaluated 2026-01-29.

Conditions:
FARSB-related disorder. Also called: FARSB-related condition.

Allele frequency attached by ClinVar (database versions not stated): gnomAD exomes 0.00100 and 0.00269; ExAC 0.00305; 1000 Genomes Project 0.00859; 1000 Genomes Project 30x 0.00906; ESP Exome Variant Server 0.00953; gnomAD 0.01016 and 0.01109; TOPMed 0.01171.
gnomAD v4.1: 2,994 of 1,553,740 alleles (0.19%); highest among the groups gnomAD compares: African/African-American, 3.7%; 50 homozygotes.

Submissions (2):

Labcorp Genetics (formerly Invitae), Labcorp
Classification: Benign. Last evaluated: 2026-01-29. Review status: criteria provided, single submitter. Criteria: Invitae Variant Classification Sherloc (09022015). Collection method: clinical testing. Allele origin: germline.

PreventionGenetics, part of Exact Sciences
Classification: Benign for FARSB-related condition. Last evaluated: 2019-03-01. Review status: no assertion criteria provided. Collection method: clinical testing. Allele origin: germline. Not counted in ClinVar's aggregate classification.
Comment: This variant is classified as benign based on ACMG/AMP sequence variant interpretation guidelines (Richards et al. 2015 PMID: 25741868, with internal and published modifications).

NM_005687.5(FARSB):c.1171-4T>C

Gene: FARSB (phenylalanyl-tRNA synthetase subunit beta; minus strand). Cytogenetic location: 2q36.1.
Variant type: single nucleotide variant.
Coding change: c.1171-4T>C on transcript NM_005687.5 (MANE Select); 4 bases into the intron before coding-DNA position 1171, T replaced by C.
Molecular consequence: intron variant.
Genome position (GRCh38, 1-based): chr2:222,623,734, A>G on the plus strand (T>C on the coding strand, the complement: FARSB is on the minus strand). VCF-style: chr2-222623734-A-G. GRCh37 (hg19) VCF-style: chr2-223488453-A-G.
Other names: c.1171-4T>C (NM_005687.4).
Identifiers: ClinVar variation 1166426 (VCV001166426.11), dbSNP rs111567015, ClinGen allele CA2136436.
Genomic context (GRCh38, chr2:222,623,734, plus strand): 5'-GAAGCCAGCGGCTGCCATGTCATGTCGGAGAAGTTCAGTGAGCTTATTAAGAGGAAACTG[A>G]AAAAAAAAGCATCCACTTGATTTCACCGCAATTATTTCTTGTTTTTTAAAAGGGAGATTT-3'